The following is an entry in ClinVar:

NM_002860.4(ALDH18A1):c.2078G>C (p.Ser693Thr)

Gene: ALDH18A1 (aldehyde dehydrogenase 18 family member A1; minus strand). Cytogenetic location: 10q24.1.
Variant type: single nucleotide variant.
Coding change: c.2078G>C on transcript NM_002860.4 (MANE Select); coding-DNA position 2078, G replaced by C.
Protein change: p.Ser693Thr; replaces serine 693 with threonine.
Molecular consequence: missense variant.
Genome position (GRCh38, 1-based): chr10:95,611,288, C>G on the plus strand (G>C on the coding strand, the complement: ALDH18A1 is on the minus strand). VCF-style: chr10-95611288-C-G. GRCh37 (hg19) VCF-style: chr10-97371045-C-G.
Other names: c.1745G>C, p.Ser582Thr (NM_001323412.2, NM_001323416.2); c.2078G>C, p.Ser693Thr (NM_001323413.2, NM_001323414.2); c.1442G>C, p.Ser481Thr (NM_001323419.2); c.2072G>C, p.Ser691Thr (NM_001017423.2, NM_001323415.2); c.1973G>C, p.Ser658Thr (NM_001323417.2); c.1739G>C, p.Ser580Thr (NM_001323418.2); short protein forms S582T, S658T, S481T, S691T, S693T, S580T.
Identifiers: ClinVar variation 2928218 (VCV002928218.3), dbSNP rs746150080, ClinGen allele CA377699850.

ClinVar aggregate classification (germline): Uncertain significance (1 of 4 stars; one submission).

Conditions:
de Barsy syndrome. Also called: Cutis laxa-corneal clouding-oligophrenia syndrome. Identifiers: Orphanet 2962, MedGen C0268354, MONDO:0017569.
Autosomal dominant spastic paraplegia type 9. Identifiers: MedGen C1832669, MONDO:0015091.
Cutis laxa, autosomal dominant 3 (ADCL3). Identifiers: Orphanet 90348, MedGen C4225268, MONDO:0014706, OMIM 616603.

Allele frequency attached by ClinVar (database versions not stated): TOPMed below 0.00001; gnomAD 0.00001.
gnomAD v4.1: 17 of 1,614,058 alleles (0.0011%); highest among the groups gnomAD compares: Non-Finnish European, 0.0014%; no homozygotes.

Submission:

Labcorp Genetics (formerly Invitae), Labcorp
Classification: Uncertain significance for Autosomal dominant spastic paraplegia type 9; de Barsy syndrome; Cutis laxa, autosomal dominant 3. Last evaluated: 2024-11-30. Review status: criteria provided, single submitter. Criteria: Invitae Variant Classification Sherloc (09022015). Collection method: clinical testing. Allele origin: germline.
Comment: This sequence change replaces serine, which is neutral and polar, with threonine, which is neutral and polar, at codon 693 of the ALDH18A1 protein (p.Ser693Thr). This variant is not present in population databases (gnomAD no frequency). This missense change has been observed in individual(s) with clinical features of ALDH18A1-related conditions (PMID: 35089622). ClinVar contains an entry for this variant (Variation ID: 2928218). Invitae Evidence Modeling of protein sequence and biophysical properties (such as structural, functional, and spatial information, amino acid conservation, physicochemical variation, residue mobility, and thermodynamic stability) indicates that this missense variant is expected to disrupt ALDH18A1 protein function with a positive predictive value of 80%. In summary, the available evidence is currently insufficient to determine the role of this variant in disease. Therefore, it has been classified as a Variant of Uncertain Significance.

Literature cited by the submitters: PubMed 35089622.